The following is an entry in ClinVar:

NM_005045.4(RELN):c.8528T>C (p.Met2843Thr)

Genes: SLC26A5-AS1 (SLC26A5 antisense RNA 1; plus strand), RELN (reelin; minus strand). Cytogenetic location: 7q22.1.
Variant type: single nucleotide variant.
Coding change: c.8528T>C on transcript NM_005045.4 (MANE Select); coding-DNA position 8528, T replaced by C.
Protein change: p.Met2843Thr; replaces methionine 2843 with threonine.
Molecular consequence: missense variant.
Genome position (GRCh38, 1-based): chr7:103,500,884, A>G on the plus strand (T>C on the coding strand, the complement: RELN is on the minus strand). VCF-style: chr7-103500884-A-G. GRCh37 (hg19) VCF-style: chr7-103141331-A-G.
Other names: c.8528T>C, p.Met2843Thr (NM_173054.3); short protein forms M2843T.
Identifiers: ClinVar variation 1000656 (VCV001000656.8), dbSNP rs1391842678, ClinGen allele CA368755989.

ClinVar aggregate classification (germline): Uncertain significance (1 of 4 stars; one submission).

Conditions:
Norman-Roberts syndrome (LIS2). Also called: Lissencephaly 2 (Norman-Roberts type). Identifiers: Orphanet 89844, MedGen C0796089, MONDO:0009760, OMIM 257320.
Familial temporal lobe epilepsy 7. Identifiers: Orphanet 101046, MedGen C4225327, MONDO:0014639, OMIM 616436.

Allele frequency attached by ClinVar (database versions not stated): TOPMed below 0.00001; gnomAD 0.00001.
gnomAD v4.1: 2 of 1,614,010 alleles (0.00012%); highest among the groups gnomAD compares: Non-Finnish European, 0.00017%; no homozygotes.

Submission:

Labcorp Genetics (formerly Invitae), Labcorp
Classification: Uncertain significance for Familial temporal lobe epilepsy 7; Norman-Roberts syndrome. Last evaluated: 2022-05-25. Review status: criteria provided, single submitter. Criteria: Invitae Variant Classification Sherloc (09022015). Collection method: clinical testing. Allele origin: germline.
Comment: ClinVar contains an entry for this variant (Variation ID: 1000656). This variant has not been reported in the literature in individuals affected with RELN-related conditions. This variant is not present in population databases (gnomAD no frequency). This sequence change replaces methionine, which is neutral and non-polar, with threonine, which is neutral and polar, at codon 2843 of the RELN protein (p.Met2843Thr). Algorithms developed to predict the effect of missense changes on protein structure and function output the following: SIFT: "Tolerated"; PolyPhen-2: "Benign"; Align-GVGD: "Class C0". The threonine amino acid residue is found in multiple mammalian species, which suggests that this missense change does not adversely affect protein function. In summary, the available evidence is currently insufficient to determine the role of this variant in disease. Therefore, it has been classified as a Variant of Uncertain Significance.